The following is an entry in ClinVar:

ClinVar aggregate classification (germline): Uncertain significance (1 of 4 stars; one submission).

Allele frequency attached by ClinVar (database versions not stated): gnomAD 0.00001 and 0.00002; TOPMed 0.00002; 1000 Genomes Project 30x 0.00031.
gnomAD v4.1: 47 of 1,612,724 alleles (0.0029%); highest among the groups gnomAD compares: Non-Finnish European, 0.0034%; no homozygotes.

Submission:

Labcorp Genetics (formerly Invitae), Labcorp
Classification: Uncertain significance. Last evaluated: 2022-06-24. Review status: criteria provided, single submitter. Criteria: Invitae Variant Classification Sherloc (09022015). Collection method: clinical testing. Allele origin: germline.
Comment: This sequence change falls in intron 7 of the C2 gene. It does not directly change the encoded amino acid sequence of the C2 protein. It affects a nucleotide within the consensus splice site. This variant is present in population databases (rs201677911, gnomAD 0.005%). This variant has not been reported in the literature in individuals affected with C2-related conditions. Variants that disrupt the consensus splice site are a relatively common cause of aberrant splicing (PMID: 17576681, 9536098). Algorithms developed to predict the effect of sequence changes on RNA splicing suggest that this variant is not likely to affect RNA splicing. In summary, the available evidence is currently insufficient to determine the role of this variant in disease. Therefore, it has been classified as a Variant of Uncertain Significance.

Literature cited by the submitters: PubMed 17576681; PubMed 9536098.

NM_000063.6(C2):c.988+4C>T

Genes: C2 (complement C2; plus strand), C2-AS1 (C2 antisense RNA 1; minus strand). Cytogenetic location: 6p21.33.
Variant type: single nucleotide variant.
Coding change: c.988+4C>T on transcript NM_000063.6 (MANE Select); 4 bases into the intron after coding-DNA position 988, C replaced by T.
Molecular consequence: intron variant.
Genome position (GRCh38, 1-based): chr6:31,936,065, C>T. VCF-style: chr6-31936065-C-T. GRCh37 (hg19) VCF-style: chr6-31903842-C-T.
Other names: c.250+4C>T (NM_001282457.2); c.347-1254C>T (NM_001178063.3); c.901+4C>T (NM_001282458.2); c.592+4C>T (NM_001145903.3).
Identifiers: ClinVar variation 1426052 (VCV001426052.4), dbSNP rs201677911, ClinGen allele CA3727584.